The following is an entry in ClinVar:

NM_001807.6(CEL):c.1905C>T (p.Pro635=)

Gene: CEL (carboxyl ester lipase; plus strand). Cytogenetic location: 9q34.13.
Variant type: single nucleotide variant.
Coding change: c.1905C>T on transcript NM_001807.6 (MANE Select); coding-DNA position 1905, C replaced by T.
Protein change: p.Pro635=; no amino-acid change (proline 635 retained).
Molecular consequence: synonymous variant.
Genome position (GRCh38, 1-based): chr9:133,071,407, C>T. VCF-style: chr9-133071407-C-T. GRCh37 (hg19) VCF-style: chr9-135946794-C-T.
Identifiers: ClinVar variation 2659676 (VCV002659676.24), dbSNP rs2490437753, ClinGen allele CA467814124.
Genomic context (GRCh38, chr9:133,071,407, plus strand): 5'-GCCGCCCACGGGTGACTCCGGGGCCCCCCCCGTGCCGCCCACGGGTGACTCCGGGGCCCC[C>T]CCCGTGCCGCCCACGGGTGACTCCGGGGCCCCCCCCGTGCCGCCCACGGGTGACTCCGGG-3'
Protein context (NP_001798.3, residues 625-645): PVPPTGDSGA[Pro635=]PVPPTGDSGA

ClinVar aggregate classification (germline): Likely benign (1 of 4 stars; one submission).

Submission:

CeGaT Center for Human Genetics Tuebingen
Classification: Likely benign. Last evaluated: 2023-02-01. Review status: criteria provided, single submitter. Criteria: CeGaT Center For Human Genetics Tuebingen Variant Classification Criteria Version 2. Collection method: clinical testing. Allele origin: germline. Affected: yes. Observed: 1 variant allele.
Comment: CEL: PM2:Supporting, BP4, BP7